The following is an entry in ClinVar:

ClinVar aggregate classification (germline): Uncertain significance (1 of 4 stars; one submission).

Submission:

GeneDx
Classification: Uncertain significance. Last evaluated: 2025-01-28. Review status: criteria provided, single submitter. Criteria: GeneDx Variant Classification Process June 2021. Collection method: clinical testing. Allele origin: germline. Affected: yes.
Comment: Frameshift variant predicted to result in abnormal protein length as the last 67 amino acid(s) are replaced with 3 different amino acid(s); Not observed at significant frequency in large population cohorts (gnomAD); Has not been previously published as pathogenic or benign to our knowledge

NM_006421.5(ARFGEF1):c.5347_5348del (p.Leu1783fs)

Gene: ARFGEF1 (ARF guanine nucleotide exchange factor 1; minus strand). Cytogenetic location: 8q13.2.
Variant type: Deletion.
Coding change: c.5347_5348del on transcript NM_006421.5 (MANE Select); coding-DNA positions 5347 to 5348, 2 bases deleted (TT; older notation c.5347_5348delTT).
Protein change: p.Leu1783fs; shifts the reading frame from leucine 1783.
Molecular consequence: frameshift variant. On other transcripts: non-coding transcript variant (1).
Genome position (GRCh38, 1-based): chr8:67,200,433-67,200,434, AA deleted on the plus strand (TT on the coding strand, the reverse complement: ARFGEF1 is on the minus strand); deleting any 2 consecutive bases within chr8:67,200,433-67,200,436 gives the same sequence; the c. name uses the placement nearest the transcript's 3' end. VCF-style (leftmost placement, unchanged base first): chr8-67200432-CAA-C. GRCh37 (hg19) VCF-style: chr8-68112667-CAA-C.
Other names: c.5347_5348del, p.Leu1783fs (NM_001413187.1, NM_001413194.1, NM_001413184.1); c.4747_4748del, p.Leu1583fs (NM_001413188.1, NM_001413197.1); c.5329_5330del, p.Leu1777fs (NM_001413189.1, NM_001413185.1, NM_001413186.1); c.5341_5342del, p.Leu1781fs (NM_001413190.1); c.5251_5252del, p.Leu1751fs (NM_001413191.1); c.5233_5234del, p.Leu1745fs (NM_001413192.1); c.4729_4730del, p.Leu1577fs (NM_001413193.1); c.3922_3923del, p.Leu1308fs (NM_001413196.1); short protein forms L1308fs, L1577fs, L1583fs, L1745fs, L1751fs, L1777fs, L1781fs, L1783fs.
Identifiers: ClinVar variation 4071923 (VCV004071923.1).